The following is an entry in ClinVar:

NM_000212.3(ITGB3):c.1994T>C (p.Ile665Thr)

Gene: ITGB3 (integrin subunit beta 3; plus strand). Cytogenetic location: 17q21.32.
Variant type: single nucleotide variant.
Coding change: c.1994T>C on transcript NM_000212.3 (MANE Select); coding-DNA position 1994, T replaced by C.
Protein change: p.Ile665Thr; replaces isoleucine 665 with threonine.
Molecular consequence: missense variant.
Genome position (GRCh38, 1-based): chr17:47,300,558, T>C. VCF-style: chr17-47300558-T-C. GRCh37 (hg19) VCF-style: chr17-45377924-T-C.
Other names: short protein forms I665T.
Identifiers: ClinVar variation 3703744 (VCV003703744.2).

ClinVar aggregate classification (germline): Uncertain significance (1 of 4 stars; one submission).

gnomAD v4.1: 18 of 1,613,962 alleles (0.0011%); highest among the groups gnomAD compares: Middle Eastern, 0.016%; no homozygotes.

Submission:

Labcorp Genetics (formerly Invitae), Labcorp
Classification: Uncertain significance. Last evaluated: 2026-01-17. Review status: criteria provided, single submitter. Criteria: Invitae Variant Classification Sherloc (09022015). Collection method: clinical testing. Allele origin: germline.
Comment: This sequence change replaces isoleucine, which is neutral and non-polar, with threonine, which is neutral and polar, at codon 665 of the ITGB3 protein (p.Ile665Thr). This variant is present in population databases (no rsID available, gnomAD 0.003%). This variant has not been reported in the literature in individuals affected with ITGB3-related conditions. ClinVar contains an entry for this variant (Variation ID: 3703744). Invitae Evidence Modeling of protein sequence and biophysical properties (such as structural, functional, and spatial information, amino acid conservation, physicochemical variation, residue mobility, and thermodynamic stability) has been performed for this missense variant. However, the output from this modeling did not meet the statistical confidence thresholds required to predict the impact of this variant on ITGB3 protein function. In summary, the available evidence is currently insufficient to determine the role of this variant in disease. Therefore, it has been classified as a Variant of Uncertain Significance.